The following is an entry in ClinVar:

NM_018089.3(ANKZF1):c.1198A>C (p.Lys400Gln)

Gene: ANKZF1 (ankyrin repeat and zinc finger peptidyl tRNA hydrolase 1; plus strand). Cytogenetic location: 2q35.
Variant type: single nucleotide variant.
Coding change: c.1198A>C on transcript NM_018089.3 (MANE Select); coding-DNA position 1198, A replaced by C.
Protein change: p.Lys400Gln; replaces lysine 400 with glutamine.
Molecular consequence: missense variant.
Genome position (GRCh38, 1-based): chr2:219,234,282, A>C. VCF-style: chr2-219234282-A-C. GRCh37 (hg19) VCF-style: chr2-220099004-A-C.
Other names: c.1198A>C, p.Lys400Gln (NM_001042410.2); c.568A>C, p.Lys190Gln (NM_001282792.2); short protein forms K400Q, K190Q.
Identifiers: ClinVar variation 1945617 (VCV001945617.5), dbSNP rs373225556, ClinGen allele CA350679346.

ClinVar aggregate classification (germline): Uncertain significance (1 of 4 stars; one submission).

Allele frequency attached by ClinVar (database versions not stated): gnomAD 0.00003.

Submission:

Labcorp Genetics (formerly Invitae), Labcorp
Classification: Uncertain significance. Last evaluated: 2025-05-07. Review status: criteria provided, single submitter. Criteria: Invitae Variant Classification Sherloc (09022015). Collection method: clinical testing. Allele origin: germline.
Comment: This sequence change replaces lysine, which is basic and polar, with glutamine, which is neutral and polar, at codon 400 of the ANKZF1 protein (p.Lys400Gln). This variant is present in population databases (no rsID available, gnomAD 0.006%). This variant has not been reported in the literature in individuals affected with ANKZF1-related conditions. ClinVar contains an entry for this variant (Variation ID: 1945617). An algorithm developed to predict the effect of missense changes on protein structure and function outputs the following: PolyPhen-2: "Benign". The glutamine amino acid residue is found in multiple mammalian species, which suggests that this missense change does not adversely affect protein function. In summary, the available evidence is currently insufficient to determine the role of this variant in disease. Therefore, it has been classified as a Variant of Uncertain Significance.